The following is an entry in ClinVar:

NM_003743.5(NCOA1):c.627C>T (p.Thr209=)

Gene: NCOA1 (nuclear receptor coactivator 1; plus strand). Cytogenetic location: 2p23.3.
Variant type: single nucleotide variant.
Coding change: c.627C>T on transcript NM_003743.5 (MANE Select); coding-DNA position 627, C replaced by T.
Protein change: p.Thr209=; no amino-acid change (threonine 209 retained).
Molecular consequence: synonymous variant.
Genome position (GRCh38, 1-based): chr2:24,691,575, C>T. VCF-style: chr2-24691575-C-T. GRCh37 (hg19) VCF-style: chr2-24914444-C-T.
Other names: c.627C>T, p.Thr209= (NM_001362950.1, NM_001362952.1, NM_001362954.1 and 3 more transcripts).
Identifiers: ClinVar variation 3349922 (VCV003349922.1).
Genomic context (GRCh38, chr2:24,691,575, plus strand): 5'-ACGAAATAGCCATACCTTTAACTGCAGGATGCTAATTCACCCTCCAGATGAGCCAGGGAC[C>T]GAGAACCAAGAAGCTTGCCAGCGTTATGAAGTAATGCAGTGTTTCACTGTGTCACAGCCA-3'
Protein context (NP_003734.3, residues 199-219): MLIHPPDEPG[Thr209=]ENQEACQRYE

ClinVar aggregate classification (germline): Likely benign (0 of 4 stars; one submission).

Conditions:
NCOA1-related disorder. Also called: NCOA1-related condition.

gnomAD v4.1: 25 of 1,613,952 alleles (0.0015%); highest among the groups gnomAD compares: South Asian, 0.0033%; no homozygotes.

Submission:

PreventionGenetics, part of Exact Sciences
Classification: Likely benign for NCOA1-related condition. Last evaluated: 2020-02-04. Review status: no assertion criteria provided. Collection method: clinical testing. Allele origin: germline.
Comment: This variant is classified as likely benign based on ACMG/AMP sequence variant interpretation guidelines (Richards et al. 2015 PMID: 25741868, with internal and published modifications).